The following is an entry in ClinVar:

NM_025152.3(NUBPL):c.*1451C>T

Gene: NUBPL (NUBP iron-sulfur cluster assembly factor, mitochondrial; plus strand). Cytogenetic location: 14q12.
Variant type: single nucleotide variant.
Coding change: c.*1451C>T on transcript NM_025152.3 (MANE Select); 1451 bases downstream of the stop codon, C replaced by T.
Molecular consequence: 3 prime UTR variant. On other transcripts: non-coding transcript variant (1).
Genome position (GRCh38, 1-based): chr14:31,860,631, C>T. VCF-style: chr14-31860631-C-T. GRCh37 (hg19) VCF-style: chr14-32329837-C-T.
Other names: c.*1451C>T (NM_001201573.2, NM_001201574.2).
Identifiers: ClinVar variation 313064 (VCV000313064.6), dbSNP rs28533800, ClinGen allele CA10645213.

ClinVar aggregate classification (germline): Likely benign. Review status: criteria provided, multiple submitters, no conflicts (2 of 4 stars). 2 submissions from 2 submitters: Likely benign (2). Last evaluated 2018-01-12.

Conditions:
Mitochondrial complex I deficiency, nuclear type 1. Also called: NADH-COENZYME Q REDUCTASE DEFICIENCY; MITOCHONDRIAL NADH DEHYDROGENASE COMPONENT OF COMPLEX I, DEFICIENCY OF. Identifiers: MedGen C6022305, MONDO:0100224, OMIM 252010.

Allele frequency attached by ClinVar (database versions not stated): gnomAD 0.03601 and 0.03631; TOPMed 0.03781; 1000 Genomes Project 0.04692; 1000 Genomes Project 30x 0.04888.

Submissions (2):

Illumina Laboratory Services, Illumina
Classification: Likely benign for Mitochondrial complex I deficiency, nuclear type 1. Last evaluated: 2018-01-12. Review status: criteria provided, single submitter. Criteria: ICSL Variant Classification Criteria 13 December 2019. Collection method: clinical testing. Allele origin: germline.
Comment: This variant was observed in the ICSL laboratory as part of a predisposition screen in an ostensibly healthy population. It had not been previously curated by ICSL or reported in the Human Gene Mutation Database (HGMD: prior to June 1st, 2018), and was therefore a candidate for classification through an automated scoring system. Utilizing variant allele frequency, disease prevalence and penetrance estimates, and inheritance mode, an automated score was calculated to assess if this variant is too frequent to cause the disease. Based on the score and internal cut-off values, a variant classified as likely benign is not then subjected to further curation. The score for this variant resulted in a classification of likely benign for this disease.

Breakthrough Genomics
Classification: Likely benign. Review status: criteria provided, single submitter. Criteria: ACMG Guidelines, 2015. Collection method: not provided. Allele origin: germline. Inheritance: Autosomal recessive inheritance. Affected: yes.